The following is an entry in ClinVar:

NM_005476.7(GNE):c.723_727del (p.Ile241_Ser242insTer)

Gene: GNE (glucosamine (UDP-N-acetyl)-2-epimerase/N-acetylmannosamine kinase; minus strand). Cytogenetic location: 9p13.3.
Variant type: Deletion.
Coding change: c.723_727del on transcript NM_005476.7 (MANE Select); coding-DNA positions 723 to 727, 5 bases deleted (CTCAT; older notation c.723_727delCTCAT).
Protein change: p.Ile241_Ser242insTer.
Molecular consequence: frameshift variant. On other transcripts: intron variant (2).
Genome position (GRCh38, 1-based): chr9:36,236,874-36,236,878, ATGAG deleted on the plus strand (CTCAT on the coding strand, the reverse complement: GNE is on the minus strand); deleting any 5 consecutive bases within chr9:36,236,874-36,236,880 gives the same sequence; the c. name uses the placement nearest the transcript's 3' end. VCF-style (leftmost placement, unchanged base first): chr9-36236873-AATGAG-A. GRCh37 (hg19) VCF-style: chr9-36236870-AATGAG-A.
Other names: c.723_727del, p.Ile241_Ser242insTer (NM_001190383.3); c.546_550del, p.Ile182_Ser183insTer (NM_001190388.2, NM_001374798.1); c.440-2746_440-2742del (NM_001190384.3); c.617-2746_617-2742del (NM_001374797.1); c.816_820del (NM_001128227.2); c.816_820del, p.Ile272_Ser273insTer (NM_001128227.3).
Identifiers: ClinVar variation 1323025 (VCV001323025.10), dbSNP rs2133078032, ClinGen allele CA2573053180.

ClinVar aggregate classification (germline): Pathogenic. Review status: criteria provided, multiple submitters, no conflicts (2 of 4 stars). 3 submissions from 3 submitters: Pathogenic (3). Last evaluated 2023-04-29.

Conditions:
GNE myopathy (NM). Also called: INCLUSION BODY MYOPATHY 2, AUTOSOMAL RECESSIVE; IBM 2; Inclusion body myopathy autosomal recessive; Inclusion body myopathy quadriceps sparing; NONAKA DISTAL MYOPATHY; INCLUSION BODY MYOPATHY, HEREDITARY, AUTOSOMAL RECESSIVE. Identifiers: Orphanet 602, MedGen C1853926, MONDO:0011603, OMIM 605820.
Sialuria. Also called: Sialic Acid Storage Disease; SIALURIA, FRENCH TYPE. Identifiers: Orphanet 3166, MedGen C0342853, MONDO:0010028, OMIM 269921.

Submissions (3):

Baylor Genetics
Classification: Pathogenic for GNE myopathy. Last evaluated: 2023-04-29. Review status: criteria provided, single submitter. Criteria: ACMG Guidelines, 2015. Collection method: clinical testing. Allele origin: unknown.

Labcorp Genetics (formerly Invitae), Labcorp
Classification: Pathogenic for Sialuria; GNE myopathy. Last evaluated: 2022-02-02. Review status: criteria provided, single submitter. Criteria: Invitae Variant Classification Sherloc (09022015). Collection method: clinical testing. Allele origin: germline.
Comment: For these reasons, this variant has been classified as Pathogenic. ClinVar contains an entry for this variant (Variation ID: 1323025). This sequence change creates a premature translational stop signal (p.Ser273*) in the GNE gene. It is expected to result in an absent or disrupted protein product. Loss-of-function variants in GNE are known to be pathogenic (PMID: 24027297). This variant is not present in population databases (gnomAD no frequency). This variant has not been reported in the literature in individuals affected with GNE-related conditions.

Revvity Omics, Revvity
Classification: Pathogenic. Last evaluated: 2019-03-19. Review status: criteria provided, single submitter. Criteria: ACMG Guidelines, 2015. Collection method: clinical testing. Allele origin: germline.

Literature cited by the submitters: PubMed 24027297 (cited by Labcorp Genetics (formerly Invitae), Labcorp).